The following is an entry in ClinVar:

ClinVar aggregate classification (germline): Uncertain significance (1 of 4 stars; one submission).

Conditions:
Familial hypobetalipoproteinemia 1. Also called: Hypobetalipoproteinemia, normotriglyceridemic; Acanthocytosis with hypobetalipoproteinemia; APOB-Related Familial Hypobetalipoproteinemia. Identifiers: MedGen C4551990, MONDO:0014252, OMIM 615558.
Hypercholesterolemia, autosomal dominant, type B (FHCL2). Also called: APOLIPOPROTEIN B-100, FAMILIAL DEFECTIVE; APOLIPOPROTEIN B-100, FAMILIAL LIGAND-DEFECTIVE; HYPERCHOLESTEROLEMIA, FAMILIAL, DUE TO LIGAND-DEFECTIVE APOLIPOPROTEIN B; Hyperlipoproteinemia Type IIb; Familial hypercholesterolemia 2; APOB-Related Familial Hypercholesterolemia, Autosomal Dominant. Identifiers: MedGen C1704417, MONDO:0007751, OMIM 144010.

Allele frequency attached by ClinVar (database versions not stated): gnomAD exomes below 0.00001; TOPMed 0.00001.
gnomAD v4.1: 1 of 1,614,124 alleles (0.000062%); highest among the groups gnomAD compares: Non-Finnish European, 0.000085%; no homozygotes.

Submission:

Labcorp Genetics (formerly Invitae), Labcorp
Classification: Uncertain significance for Familial hypobetalipoproteinemia 1; Hypercholesterolemia, autosomal dominant, type B. Last evaluated: 2024-10-14. Review status: criteria provided, single submitter. Criteria: Invitae Variant Classification Sherloc (09022015). Collection method: clinical testing. Allele origin: germline.
Comment: This sequence change replaces lysine, which is basic and polar, with asparagine, which is neutral and polar, at codon 1475 of the APOB protein (p.Lys1475Asn). This variant is not present in population databases (gnomAD no frequency). This variant has not been reported in the literature in individuals affected with APOB-related conditions. ClinVar contains an entry for this variant (Variation ID: 858790). Invitae Evidence Modeling of protein sequence and biophysical properties (such as structural, functional, and spatial information, amino acid conservation, physicochemical variation, residue mobility, and thermodynamic stability) indicates that this missense variant is not expected to disrupt APOB protein function with a negative predictive value of 95%. In summary, the available evidence is currently insufficient to determine the role of this variant in disease. Therefore, it has been classified as a Variant of Uncertain Significance.

NM_000384.3(APOB):c.4425G>C (p.Lys1475Asn)

Gene: APOB (apolipoprotein B; minus strand). Cytogenetic location: 2p24.1.
Variant type: single nucleotide variant.
Coding change: c.4425G>C on transcript NM_000384.3 (MANE Select); coding-DNA position 4425, G replaced by C.
Protein change: p.Lys1475Asn; replaces lysine 1475 with asparagine.
Molecular consequence: missense variant.
Genome position (GRCh38, 1-based): chr2:21,012,443, C>G on the plus strand (G>C on the coding strand, the complement: APOB is on the minus strand). VCF-style: chr2-21012443-C-G. GRCh37 (hg19) VCF-style: chr2-21235315-C-G.
Other names: short protein forms K1475N.
Identifiers: ClinVar variation 858790 (VCV000858790.12), dbSNP rs1242255992, ClinGen allele CA346006916.